The following is an entry in ClinVar:

NM_138348.6(OTULIN):c.405G>C (p.Leu135=)

Gene: OTULIN (OTU deubiquitinase with linear linkage specificity; plus strand). Cytogenetic location: 5p15.2.
Variant type: single nucleotide variant.
Coding change: c.405G>C on transcript NM_138348.6 (MANE Select); coding-DNA position 405, G replaced by C.
Protein change: p.Leu135=; no amino-acid change (leucine 135 retained).
Molecular consequence: synonymous variant.
Genome position (GRCh38, 1-based): chr5:14,681,544, G>C. VCF-style: chr5-14681544-G-C. GRCh37 (hg19) VCF-style: chr5-14681653-G-C.
Identifiers: ClinVar variation 1168555 (VCV001168555.18), dbSNP rs115519180, ClinGen allele CA3208595.
Genomic context (GRCh38, chr5:14,681,544, plus strand): 5'-GAAGTTCACCTCCATACGGCGAGTCCGTGGTGATAATTACTGTGCACTGAGGGCCACGCT[G>C]TTCCAGGCCATGAGCCAGGCTGTGGGGCTGCCGCCCTGGCTGCAGGACCCGGAGCTCATG-3'
Protein context (NP_612357.4, residues 125-145): GDNYCALRAT[Leu135=]FQAMSQAVGL

ClinVar aggregate classification (germline): Benign/Likely benign. Review status: criteria provided, multiple submitters, no conflicts (2 of 4 stars). 6 submissions from 6 submitters: Benign (2); Likely benign (2). 2 of the submissions do not count toward it. Last evaluated 2026-02-01.

Allele frequency attached by ClinVar (database versions not stated): gnomAD exomes 0.00073; ExAC 0.00089; ESP Exome Variant Server 0.00261; gnomAD 0.00286 and 0.00302; TOPMed 0.00314; 1000 Genomes Project 0.00379; 1000 Genomes Project 30x 0.00422.
gnomAD v4.1: 1,048 of 1,614,120 alleles (0.065%); highest among the groups gnomAD compares: African/African-American, 0.87%; 2 homozygotes.

Submissions (6):

CeGaT Center for Human Genetics Tuebingen
Classification: Likely benign. Last evaluated: 2026-02-01. Review status: criteria provided, single submitter. Criteria: CeGaT Center For Human Genetics Tuebingen Variant Classification Criteria Version 2. Collection method: clinical testing. Allele origin: germline. Affected: yes. Observed: 2 variant alleles.
Comment: OTULIN: BP4, BP7

Labcorp Genetics (formerly Invitae), Labcorp
Classification: Benign. Last evaluated: 2026-02-01. Review status: criteria provided, single submitter. Criteria: Invitae Variant Classification Sherloc (09022015). Collection method: clinical testing. Allele origin: germline.

Blueprint Genetics
Classification: Likely benign. Last evaluated: 2024-11-12. Review status: criteria provided, single submitter. Criteria: ACMG Guidelines, 2015. Collection method: clinical testing. Allele origin: germline.

Breakthrough Genomics
Classification: Benign. Review status: criteria provided, single submitter. Criteria: ACMG Guidelines, 2015. Collection method: not provided. Allele origin: germline. Inheritance: Autosomal recessive inheritance. Affected: yes.

Clinical Genetics DNA and cytogenetics Diagnostics Lab, Erasmus MC, Erasmus Medical Center
Classification: Likely benign. Review status: no assertion criteria provided. Collection method: clinical testing. Allele origin: germline. Affected: yes. Study: VKGL Data-share Consensus. Not counted in ClinVar's aggregate classification.

Genome Diagnostics Laboratory, University Medical Center Utrecht
Classification: Likely benign. Review status: no assertion criteria provided. Collection method: clinical testing. Allele origin: germline. Affected: yes. Study: VKGL Data-share Consensus. Not counted in ClinVar's aggregate classification.